The following is an entry in ClinVar:

ClinVar aggregate classification (germline): Benign/Likely benign. Review status: criteria provided, multiple submitters, no conflicts (2 of 4 stars). 2 submissions from 2 submitters: Benign (1); Likely benign (1). Last evaluated 2025-01-27.

Conditions:
Hereditary nonpolyposis colorectal neoplasms. Identifiers: MedGen C0009405, MeSH D003123.
Lynch syndrome 4 (LYNCH4). Also called: Hereditary non-polyposis colorectal cancer, type 4; Colorectal cancer, hereditary nonpolyposis, type 4. Identifiers: Orphanet 144, MedGen C1838333, MONDO:0013699, OMIM 614337. Disease mechanism: loss of function.

gnomAD v4.1: 1 of 1,613,272 alleles (0.000062%); no homozygotes.

Submissions (2):

Myriad Genetics, Inc.
Classification: Benign for Lynch syndrome 4. Last evaluated: 2025-01-27. Review status: criteria provided, single submitter. Criteria: Myriad Autosomal Dominant, Autosomal Recessive and X-Linked Classification Criteria (2023). Collection method: clinical testing. Allele origin: unknown.
Comment: This variant is considered benign. This variant is a silent/synonymous amino acid change and it is not expected to impact splicing.

Labcorp Genetics (formerly Invitae), Labcorp
Classification: Likely benign for Hereditary nonpolyposis colorectal neoplasms. Last evaluated: 2024-03-03. Review status: criteria provided, single submitter. Criteria: Invitae Variant Classification Sherloc (09022015). Collection method: clinical testing. Allele origin: germline.

NM_000535.7(PMS2):c.609C>T (p.Thr203=)

Gene: PMS2 (PMS1 homolog 2, mismatch repair system component; minus strand). Cytogenetic location: 7p22.1.
Variant type: single nucleotide variant.
Coding change: c.609C>T on transcript NM_000535.7 (MANE Select); coding-DNA position 609, C replaced by T.
Protein change: p.Thr203=; no amino-acid change (threonine 203 retained).
Molecular consequence: synonymous variant. On other transcripts: 5 prime UTR variant (2), non-coding transcript variant (1), intron variant (9).
Genome position (GRCh38, 1-based): chr7:5,999,204, G>A on the plus strand (C>T on the coding strand, the complement: PMS2 is on the minus strand). VCF-style: chr7-5999204-G-A. GRCh37 (hg19) VCF-style: chr7-6038835-G-A.
Other names: c.204C>T, p.Thr68= (NM_001322003.2, NM_001322004.2, NM_001322005.2 and 19 more transcripts); c.609C>T, p.Thr203= (NM_001322006.2, NM_001322014.2, NM_001406870.1 and 4 more transcripts); c.291C>T, p.Thr97= (NM_001322007.2, NM_001322008.2, NM_001406876.1 and 4 more transcripts); c.-325C>T (NM_001322011.2, NM_001322012.2); c.300C>T, p.Thr100= (NM_001322015.2, NM_001406875.1, NM_001406877.1 and 6 more transcripts); c.795C>T, p.Thr265= (NM_001406866.1); c.633C>T, p.Thr211= (NM_001406868.1); c.273C>T, p.Thr91= (NM_001406885.1); and 6 more.
Identifiers: ClinVar variation 3710595 (VCV003710595.3).